The following is an entry in ClinVar:

NC_000002.11:g.(?_233075026)_(233128160_?)dup

Gene: DIS3L2 (DIS3 like 3'-5' exoribonuclease 2; plus strand). Cytogenetic location: 2q37.1.
Variant type: Duplication.
Identifiers: ClinVar variation 3247212 (VCV003247212.1).

ClinVar aggregate classification (germline): Likely pathogenic (1 of 4 stars; one submission).

Conditions:
Perlman syndrome (PRLMNS). Identifiers: Orphanet 2849, MedGen C0796113, MONDO:0009965, OMIM 267000.

Submission:

Labcorp Genetics (formerly Invitae), Labcorp
Classification: Likely pathogenic for Perlman syndrome. Last evaluated: 2023-07-26. Review status: criteria provided, single submitter. Criteria: Invitae Variant Classification Sherloc (09022015). Collection method: clinical testing. Allele origin: unknown.
Comment: This variant results in a copy number gain of the genomic region encompassing exon(s) 10-13 of the DIS3L2 gene. While the exact position of this variant cannot be determined from the data, sub-genic copy number gains are generally in tandem (PMID: 25640679). This variant is predicted to be out-of-frame, and may result in an absent or disrupted protein product. Loss-of-function variants in DIS3L2 are known to be pathogenic (PMID: 22306653, 28328139). This variant has not been reported in the literature in individuals affected with DIS3L2-related conditions. In summary, the currently available evidence indicates that the variant is pathogenic, but additional data are needed to prove that conclusively. Therefore, this variant has been classified as Likely Pathogenic.

Literature cited by the submitters: PubMed 25640679; PubMed 22306653; PubMed 28328139.